The following is an entry in ClinVar:

ClinVar aggregate classification (germline): Uncertain significance. Review status: criteria provided, multiple submitters, no conflicts (2 of 4 stars). 5 submissions from 5 submitters: Uncertain significance (4). 1 of the submissions does not count toward it. Last evaluated 2025-03-01.

Conditions:
Inborn genetic diseases. Identifiers: MedGen C0950123, MeSH D030342.
Glycogen storage disease, type VII (GSD7). Also called: MUSCLE PHOSPHOFRUCTOKINASE DEFICIENCY; PFKM DEFICIENCY; TARUI DISEASE; GSD VII. Identifiers: Orphanet 371, MedGen C0017926, MONDO:0009295, OMIM 232800.

Allele frequency attached by ClinVar (database versions not stated): gnomAD exomes 0.00001 and 0.00010; gnomAD 0.00004; TOPMed 0.00008; ExAC 0.00009.
gnomAD v4.1: 26 of 1,614,006 alleles (0.0016%); highest among the groups gnomAD compares: East Asian, 0.056%; no homozygotes.

Submissions (5):

Ambry Genetics
Classification: Uncertain significance for Inborn genetic diseases. Last evaluated: 2025-03-01. Review status: criteria provided, single submitter. Criteria: Ambry Variant Classification Scheme 2023. Collection method: clinical testing. Allele origin: germline.

Labcorp Genetics (formerly Invitae), Labcorp
Classification: Uncertain significance for Glycogen storage disease, type VII. Last evaluated: 2022-07-13. Review status: criteria provided, single submitter. Criteria: Invitae Variant Classification Sherloc (09022015). Collection method: clinical testing. Allele origin: germline.
Comment: This sequence change replaces valine, which is neutral and non-polar, with alanine, which is neutral and non-polar, at codon 20 of the PFKM protein (p.Val20Ala). This variant is present in population databases (rs755992543, gnomAD 0.1%). This variant has not been reported in the literature in individuals affected with PFKM-related conditions. ClinVar contains an entry for this variant (Variation ID: 585161). Algorithms developed to predict the effect of missense changes on protein structure and function are either unavailable or do not agree on the potential impact of this missense change (SIFT: "Deleterious"; PolyPhen-2: "Probably Damaging"; Align-GVGD: "Class C0"). In summary, the available evidence is currently insufficient to determine the role of this variant in disease. Therefore, it has been classified as a Variant of Uncertain Significance.

GeneDx
Classification: Uncertain significance. Last evaluated: 2020-02-03. Review status: criteria provided, single submitter. Criteria: GeneDx Variant Classification Process June 2021. Collection method: clinical testing. Allele origin: germline. Affected: yes.
Comment: In silico analysis supports that this missense variant has a deleterious effect on protein structure/function; Has not been previously published as pathogenic or benign to our knowledge

Illumina Laboratory Services, Illumina
Classification: Uncertain significance for Glycogen storage disease, type VII. Last evaluated: 2018-01-13. Review status: criteria provided, single submitter. Criteria: ICSL Variant Classification Criteria 13 December 2019. Collection method: clinical testing. Allele origin: germline.

Natera, Inc.
Classification: Uncertain significance for Glycogen storage disease type VII. Last evaluated: 2020-03-20. Review status: no assertion criteria provided. Collection method: clinical testing. Allele origin: germline. Not counted in ClinVar's aggregate classification.

NM_000289.6(PFKM):c.59T>C (p.Val20Ala)

Gene: PFKM (phosphofructokinase, muscle; plus strand). Cytogenetic location: 12q13.11.
Variant type: single nucleotide variant.
Coding change: c.59T>C on transcript NM_000289.6 (MANE Select); coding-DNA position 59, T replaced by C.
Protein change: p.Val20Ala; replaces valine 20 with alanine.
Molecular consequence: missense variant. On other transcripts: 5 prime UTR variant (3), non-coding transcript variant (6).
Genome position (GRCh38, 1-based): chr12:48,122,833, T>C. VCF-style: chr12-48122833-T-C. GRCh37 (hg19) VCF-style: chr12-48516616-T-C.
Other names: c.272T>C, p.Val91Ala (NM_001166686.2, NM_001354737.1, NM_001354738.1 and 1 more transcripts); c.59T>C, p.Val20Ala (NM_001166687.2, NM_001166688.2, NM_001354742.2 and 4 more transcripts); c.368T>C, p.Val123Ala (NM_001354735.1, NM_001354736.1); c.203T>C, p.Val68Ala (NM_001354740.1); c.83T>C, p.Val28Ala (NM_001354741.2); c.-267T>C (NM_001354745.2); c.-18T>C (NM_001354747.2, NM_001354748.2); short protein forms V20A, V28A, V123A, V68A, V91A.
Identifiers: ClinVar variation 585161 (VCV000585161.15), dbSNP rs755992543, ClinGen allele CA6536838.